The following is an entry in ClinVar:

ClinVar aggregate classification (germline): Uncertain significance (1 of 4 stars; one submission).

Conditions:
Neuropathy, hereditary sensory, type 2C. Also called: KIF1A-Related HSAN2 (HSAN2C); Hereditary sensory and autonomic neuropathy type IIC. Identifiers: Orphanet 970, MedGen C3280168, MONDO:0013634, OMIM 614213.
Hereditary spastic paraplegia 30. Identifiers: Orphanet 101010, MedGen C5235139, MONDO:0012476.
Intellectual disability, autosomal dominant 9 (NESCAVS). Also called: NESCAV SYNDROME; KIF1A-Related Neurodevelopmental Disorder. Identifiers: Orphanet 662367, MedGen C5393830, MONDO:0013656, OMIM 614255.

Allele frequency attached by ClinVar (database versions not stated): gnomAD exomes below 0.00001; ExAC 0.00005.
gnomAD v4.1: 4 of 1,552,220 alleles (0.00026%); highest among the groups gnomAD compares: South Asian, 0.0012%; no homozygotes.

Submission:

Labcorp Genetics (formerly Invitae), Labcorp
Classification: Uncertain significance for Hereditary spastic paraplegia 30; Neuropathy, hereditary sensory, type 2C; Intellectual disability, autosomal dominant 9. Last evaluated: 2023-10-12. Review status: criteria provided, single submitter. Criteria: Invitae Variant Classification Sherloc (09022015). Collection method: clinical testing. Allele origin: germline.
Comment: This sequence change replaces arginine, which is basic and polar, with glutamine, which is neutral and polar, at codon 1367 of the KIF1A protein (p.Arg1367Gln). The frequency data for this variant in the population databases is considered unreliable, as metrics indicate poor data quality at this position in the gnomAD database. This variant has not been reported in the literature in individuals affected with KIF1A-related conditions. Advanced modeling of protein sequence and biophysical properties (such as structural, functional, and spatial information, amino acid conservation, physicochemical variation, residue mobility, and thermodynamic stability) performed at Invitae indicates that this missense variant is not expected to disrupt KIF1A protein function. In summary, the available evidence is currently insufficient to determine the role of this variant in disease. Therefore, it has been classified as a Variant of Uncertain Significance.

NM_001244008.2(KIF1A):c.4403G>A (p.Arg1468Gln)

Gene: KIF1A (kinesin family member 1A; minus strand). Cytogenetic location: 2q37.3.
Variant type: single nucleotide variant.
Coding change: c.4403G>A on transcript NM_001244008.2 (MANE Select); coding-DNA position 4403, G replaced by A.
Protein change: p.Arg1468Gln; replaces arginine 1468 with glutamine.
Molecular consequence: missense variant.
Genome position (GRCh38, 1-based): chr2:240,723,474, C>T on the plus strand (G>A on the coding strand, the complement: KIF1A is on the minus strand). VCF-style: chr2-240723474-C-T. GRCh37 (hg19) VCF-style: chr2-241662891-C-T.
Other names: c.4127G>A, p.Arg1376Gln (NM_001320705.2, NM_001379649.1); c.4154G>A, p.Arg1385Gln (NM_001330289.2); c.4202G>A, p.Arg1401Gln (NM_001330290.2, NM_001379648.1); c.4478G>A, p.Arg1493Gln (NM_001379631.1); c.4379G>A, p.Arg1460Gln (NM_001379632.1); c.4376G>A, p.Arg1459Gln (NM_001379633.1, NM_001379645.1); c.4229G>A, p.Arg1410Gln (NM_001379634.1); c.4226G>A, p.Arg1409Gln (NM_001379635.1, NM_001379646.1); and 7 more; short protein forms R1367Q, R1385Q, R1392Q, R1409Q, R1468Q, R1493Q, R1384Q, R1410Q.
Identifiers: ClinVar variation 2942870 (VCV002942870.3), dbSNP rs767472111, ClinGen allele CA2207411.